The following is an entry in ClinVar:

ClinVar aggregate classification (germline): Uncertain significance. Review status: criteria provided, multiple submitters, no conflicts (2 of 4 stars). 2 submissions from 2 submitters: Uncertain significance (2). Last evaluated 2025-08-25.

Conditions:
Hereditary cancer-predisposing syndrome. Also called: Hereditary neoplastic syndrome; Tumor predisposition; Neoplastic Syndromes, Hereditary; Hereditary Cancer Syndrome. Identifiers: Orphanet 140162, MedGen C0027672, MeSH D009386, MONDO:0015356.

Submissions (2):

Ambry Genetics
Classification: Uncertain significance for Hereditary cancer-predisposing syndrome. Last evaluated: 2025-08-25. Review status: criteria provided, single submitter. Criteria: Ambry Variant Classification Scheme 2023. Collection method: clinical testing. Allele origin: germline.
Comment: The p.I260V variant (also known as c.778A>G), located in coding exon 2 of the HOXB13 gene, results from an A to G substitution at nucleotide position 778. The isoleucine at codon 260 is replaced by valine, an amino acid with highly similar properties. This amino acid position is conserved. In addition, this alteration is predicted to be tolerated by in silico analysis. Since supporting evidence is limited at this time, the clinical significance of this alteration remains unclear.

Labcorp Genetics (formerly Invitae), Labcorp
Classification: Uncertain significance. Last evaluated: 2023-09-28. Review status: criteria provided, single submitter. Criteria: Invitae Variant Classification Sherloc (09022015). Collection method: clinical testing. Allele origin: germline.
Comment: This sequence change replaces isoleucine, which is neutral and non-polar, with valine, which is neutral and non-polar, at codon 260 of the HOXB13 protein (p.Ile260Val). This variant is not present in population databases (gnomAD no frequency). This variant has not been reported in the literature in individuals affected with HOXB13-related conditions. ClinVar contains an entry for this variant (Variation ID: 955197). Advanced modeling of protein sequence and biophysical properties (such as structural, functional, and spatial information, amino acid conservation, physicochemical variation, residue mobility, and thermodynamic stability) performed at Invitae indicates that this missense variant is not expected to disrupt HOXB13 protein function. In summary, the available evidence is currently insufficient to determine the role of this variant in disease. Therefore, it has been classified as a Variant of Uncertain Significance.

NM_006361.6(HOXB13):c.778A>G (p.Ile260Val)

Gene: HOXB13 (homeobox B13; minus strand). Cytogenetic location: 17q21.32.
Variant type: single nucleotide variant.
Coding change: c.778A>G on transcript NM_006361.6 (MANE Select); coding-DNA position 778, A replaced by G.
Protein change: p.Ile260Val; replaces isoleucine 260 with valine.
Molecular consequence: missense variant.
Genome position (GRCh38, 1-based): chr17:48,726,867, T>C on the plus strand (A>G on the coding strand, the complement: HOXB13 is on the minus strand). VCF-style: chr17-48726867-T-C. GRCh37 (hg19) VCF-style: chr17-46804229-T-C.
Other names: short protein forms I260V.
Identifiers: ClinVar variation 955197 (VCV000955197.12), dbSNP rs2038215990, ClinGen allele CA400105813.